The following is an entry in ClinVar:

ClinVar aggregate classification (germline): Uncertain significance (1 of 4 stars; one submission).

gnomAD v4.1: 1 of 1,607,240 alleles (0.000062%); highest among the groups gnomAD compares: Non-Finnish European, 0.000085%; no homozygotes.

Submission:

CeGaT Center for Human Genetics Tuebingen
Classification: Uncertain significance. Last evaluated: 2024-08-01. Review status: criteria provided, single submitter. Criteria: CeGaT Center For Human Genetics Tuebingen Variant Classification Criteria Version 2. Collection method: clinical testing. Allele origin: germline. Affected: yes. Observed: 1 variant allele.
Comment: POLG2: PM2

NM_007215.4(POLG2):c.1139C>T (p.Pro380Leu)

Genes: MILR1 (mast cell immunoglobulin like receptor 1; plus strand), POLG2 (DNA polymerase gamma 2, accessory subunit; minus strand). Cytogenetic location: 17q23.3.
Variant type: single nucleotide variant.
Coding change: c.1139C>T on transcript NM_007215.4 (MANE Select); coding-DNA position 1139, C replaced by T.
Protein change: p.Pro380Leu; replaces proline 380 with leucine.
Molecular consequence: missense variant.
Genome position (GRCh38, 1-based): chr17:64,482,971, G>A on the plus strand (C>T on the coding strand, the complement: POLG2 is on the minus strand). VCF-style: chr17-64482971-G-A. GRCh37 (hg19) VCF-style: chr17-62479088-G-A.
Other names: short protein forms P380L.
Identifiers: ClinVar variation 3341910 (VCV003341910.16).